The following is an entry in ClinVar:

ClinVar aggregate classification (germline): Pathogenic (1 of 4 stars; one submission).

Conditions:
Alport syndrome. Also called: Hemorrhagic familial nephritis; Hemorrhagic hereditary nephritis; Congenital hereditary hematuria. Identifiers: Orphanet 63, MedGen C1567741, MONDO:0018965.

Submission:

Myriad Genetics, Inc.
Classification: Pathogenic for Alport syndrome. Last evaluated: 2025-09-09. Review status: criteria provided, single submitter. Criteria: Myriad Autosomal Dominant, Autosomal Recessive and X-Linked Classification Criteria (2023). Collection method: clinical testing. Allele origin: unknown.
Comment: NM_000092.4(COL4A4):c.2669delC(P890Qfs*60) is expected to be pathogenic in the context of Alport syndrome, COL4A4-related. This variant is predicted to lead to an abnormal or absent protein product due to the creation of a premature termination codon in COL4A4, a gene where loss-of-function variants are known to be pathogenic. Please note: this variant was assessed in the context of healthy population screening.

NM_000092.5(COL4A4):c.2669del (p.Pro890fs)

Gene: COL4A4 (collagen type IV alpha 4 chain; minus strand). Cytogenetic location: 2q36.3.
Variant type: Deletion.
Coding change: c.2669del on transcript NM_000092.5 (MANE Select); coding-DNA position 2669, one base deleted (C; older notation c.2669delC).
Protein change: p.Pro890fs; shifts the reading frame from proline 890.
Molecular consequence: frameshift variant.
Genome position (GRCh38, 1-based): chr2:227,055,992, G deleted on the plus strand (C on the coding strand, the reverse complement: COL4A4 is on the minus strand); the first of 3 consecutive G bases (chr2:227,055,992-227,055,994); deleting any one gives the same sequence. VCF-style (leftmost placement, unchanged base first): chr2-227055991-TG-T. GRCh37 (hg19) VCF-style: chr2-227920707-TG-T.
Other names: short protein forms P890fs.
Identifiers: ClinVar variation 5014957 (VCV005014957.1).